The following is an entry in ClinVar:

NM_001166412.2(SMOC2):c.582T>A (p.Pro194=)

Gene: SMOC2 (SPARC related modular calcium binding 2; plus strand). Cytogenetic location: 6q27.
Variant type: single nucleotide variant.
Coding change: c.582T>A on transcript NM_001166412.2 (MANE Select); coding-DNA position 582, T replaced by A.
Protein change: p.Pro194=; no amino-acid change (proline 194 retained).
Molecular consequence: synonymous variant.
Genome position (GRCh38, 1-based): chr6:168,549,148, T>A. VCF-style: chr6-168549148-T-A. GRCh37 (hg19) VCF-style: chr6-168949828-T-A.
Other names: c.615T>A, p.Pro205= (NM_022138.3).
Identifiers: ClinVar variation 3055570 (VCV003055570.4), dbSNP rs372597491, ClinGen allele CA4102193.

ClinVar aggregate classification (germline): Benign/Likely benign. Review status: criteria provided, multiple submitters, no conflicts (2 of 4 stars). 3 submissions from 3 submitters: Benign (1); Likely benign (1). 1 of the submissions does not count toward it. Last evaluated 2025-02-07.

Conditions:
SMOC2-related disorder. Also called: SMOC2-related condition.

Allele frequency attached by ClinVar (database versions not stated): ESP Exome Variant Server 0.00023; TOPMed 0.00023; gnomAD 0.00028; gnomAD exomes 0.00047; 1000 Genomes Project 30x 0.00078; 1000 Genomes Project 0.00080; ExAC 0.00111.
gnomAD v4.1: 749 of 1,614,156 alleles (0.046%); highest among the groups gnomAD compares: South Asian, 0.6%; 6 homozygotes.

Submissions (3):

Labcorp Genetics (formerly Invitae), Labcorp
Classification: Benign. Last evaluated: 2025-02-07. Review status: criteria provided, single submitter. Criteria: Invitae Variant Classification Sherloc (09022015). Collection method: clinical testing. Allele origin: germline.

Blueprint Genetics
Classification: Likely benign. Last evaluated: 2024-11-15. Review status: criteria provided, single submitter. Criteria: ACMG Guidelines, 2015. Collection method: clinical testing. Allele origin: germline.

PreventionGenetics, part of Exact Sciences
Classification: Likely benign for SMOC2-related condition. Last evaluated: 2019-02-19. Review status: no assertion criteria provided. Collection method: clinical testing. Allele origin: germline. Not counted in ClinVar's aggregate classification.
Comment: This variant is classified as likely benign based on ACMG/AMP sequence variant interpretation guidelines (Richards et al. 2015 PMID: 25741868, with internal and published modifications).